The following is an entry in ClinVar:

NM_006231.4(POLE):c.4643C>T (p.Pro1548Leu)

Gene: POLE (DNA polymerase epsilon, catalytic subunit; minus strand). Cytogenetic location: 12q24.33.
Variant type: single nucleotide variant.
Coding change: c.4643C>T on transcript NM_006231.4 (MANE Select); coding-DNA position 4643, C replaced by T.
Protein change: p.Pro1548Leu; replaces proline 1548 with leucine.
Molecular consequence: missense variant.
Genome position (GRCh38, 1-based): chr12:132,642,905, G>A on the plus strand (C>T on the coding strand, the complement: POLE is on the minus strand). VCF-style: chr12-132642905-G-A. GRCh37 (hg19) VCF-style: chr12-133219491-G-A.
Other names: c.4643C>T (NM_006231.2); short protein forms P1548L.
Identifiers: ClinVar variation 642729 (VCV000642729.10), dbSNP rs779475320, ClinGen allele CA387379033.

ClinVar aggregate classification (germline): Uncertain significance. Review status: criteria provided, multiple submitters, no conflicts (2 of 4 stars). 3 submissions from 3 submitters: Uncertain significance (3). Last evaluated 2026-01-05.

Conditions:
Hereditary cancer-predisposing syndrome. Also called: Neoplastic Syndromes, Hereditary; Tumor predisposition; Hereditary neoplastic syndrome; Hereditary Cancer Syndrome. Identifiers: Orphanet 140162, MedGen C0027672, MeSH D009386, MONDO:0015356.
Colorectal cancer, susceptibility to, 12 (CRCS12). Also called: COLORECTAL CANCER, SUSCEPTIBILITY TO, ON CHROMOSOME 12q24. Identifiers: Orphanet 220460, MedGen C3554460, MONDO:0014038, OMIM 615083.
Facial dysmorphism-immunodeficiency-livedo-short stature syndrome. Also called: Facial dysmorphism, immunodeficiency, livedo, and short stature; FILS syndrome. Identifiers: Orphanet 352712, MedGen C3554576, MONDO:0014058, OMIM 615139.
Intrauterine growth retardation, metaphyseal dysplasia, adrenal hypoplasia congenita, genital anomalies, and immunodeficiency. Also called: IMAGEI SYNDROME. Identifiers: MedGen C5193036, MONDO:0032684, OMIM 618336.

gnomAD v4.1: 5 of 1,613,684 alleles (0.00031%); highest among the groups gnomAD compares: African/African-American, 0.0013%; no homozygotes.

Submissions (3):

Labcorp Genetics (formerly Invitae), Labcorp
Classification: Uncertain significance. Last evaluated: 2026-01-05. Review status: criteria provided, single submitter. Criteria: Invitae Variant Classification Sherloc (09022015). Collection method: clinical testing. Allele origin: germline.
Comment: This sequence change replaces proline, which is neutral and non-polar, with leucine, which is neutral and non-polar, at codon 1548 of the POLE protein (p.Pro1548Leu). This variant is present in population databases (no rsID available, gnomAD 0.0009%). This variant has not been reported in the literature in individuals affected with POLE-related conditions. ClinVar contains an entry for this variant (Variation ID: 642729). Invitae Evidence Modeling of protein sequence and biophysical properties (such as structural, functional, and spatial information, amino acid conservation, physicochemical variation, residue mobility, and thermodynamic stability) indicates that this missense variant is not expected to disrupt POLE protein function with a negative predictive value of 80%. In summary, the available evidence is currently insufficient to determine the role of this variant in disease. Therefore, it has been classified as a Variant of Uncertain Significance.

Ambry Genetics
Classification: Uncertain significance for Hereditary cancer-predisposing syndrome. Last evaluated: 2025-05-25. Review status: criteria provided, single submitter. Criteria: Ambry Variant Classification Scheme 2023. Collection method: clinical testing. Allele origin: germline.
Comment: The p.P1548L variant (also known as c.4643C>T), located in coding exon 36 of the POLE gene, results from a C to T substitution at nucleotide position 4643. The proline at codon 1548 is replaced by leucine, an amino acid with similar properties. This amino acid position is highly conserved in available vertebrate species. In addition, this alteration is predicted to be tolerated by in silico analysis. Based on the available evidence, the clinical significance of this variant remains unclear.

Department of Pathology and Laboratory Medicine, Sinai Health System
Classification: Uncertain significance for Colorectal cancer, susceptibility to, 12; Facial dysmorphism-immunodeficiency-livedo-short stature syndrome; Intrauterine growth retardation, metaphyseal dysplasia, adrenal hypoplasia congenita, genital anomalies, and immunodeficiency. Last evaluated: 2024-06-10. Review status: criteria provided, single submitter. Criteria: ACMG Guidelines, 2015. Collection method: clinical testing. Allele origin: germline. Affected: no.